The following is an entry in ClinVar:

ClinVar aggregate classification (germline): Uncertain significance (1 of 4 stars; one submission).

Submission:

Quest Diagnostics Nichols Institute San Juan Capistrano
Classification: Uncertain significance. Last evaluated: 2025-02-20. Review status: criteria provided, single submitter. Criteria: Quest Diagnostics criteria. Collection method: clinical testing. Allele origin: unknown.
Comment: The PALB2 c.1598C>T (p.Thr533Ile) variant has not been reported in individuals with PALB2-related conditions in the published literature. It also has not been reported in large, multi-ethnic general populations (Genome Aggregation Database). Analysis of this variant using bioinformatics tools for the prediction of the effect of amino acid changes on protein structure and function yielded predictions that this variant is benign. Based on the available information, we are unable to determine the clinical significance of this variant.

NM_024675.4(PALB2):c.1598C>T (p.Thr533Ile)

Gene: PALB2 (partner and localizer of BRCA2; minus strand). Cytogenetic location: 16p12.2.
Variant type: single nucleotide variant.
Coding change: c.1598C>T on transcript NM_024675.4 (MANE Select); coding-DNA position 1598, C replaced by T.
Protein change: p.Thr533Ile; replaces threonine 533 with isoleucine.
Molecular consequence: missense variant. On other transcripts: intron variant (3).
Genome position (GRCh38, 1-based): chr16:23,634,948, G>A on the plus strand (C>T on the coding strand, the complement: PALB2 is on the minus strand). VCF-style: chr16-23634948-G-A. GRCh37 (hg19) VCF-style: chr16-23646269-G-A.
Other names: c.1538C>T, p.Thr513Ile (NM_001407296.1); c.1598C>T, p.Thr533Ile (NM_001407297.1, NM_001407298.1, NM_001407299.1 and 3 more transcripts); c.713C>T, p.Thr238Ile (NM_001407304.1, NM_001407305.1, NM_001407306.1 and 5 more transcripts); c.49-5673C>T (NM_001407314.1); c.-104-4479C>T (NM_001407313.1, NM_001407312.1); short protein forms T238I, T513I, T533I.
Identifiers: ClinVar variation 4533154 (VCV004533154.1).
Genomic context (GRCh38, chr16:23,634,948, plus strand): 5'-TGCTGATATTTGTGTGAGGTGACTTCTTCCTTGGACCTGTTAACAATCGACAGGCTAGAA[G>A]TTGGCAAAAGTGGTTCACAATGATCTGATGCTGGGGTGCAGGCTGATTTTCTTTTTCCTG-3'
Protein context (NP_078951.2, residues 523-543): ASDHCEPLLP[Thr533Ile]SSLSIVNRSK